The following is an entry in ClinVar:

ClinVar aggregate classification (germline): Uncertain significance (1 of 4 stars; one submission).

Conditions:
Wilson-Turner syndrome (WTS). Also called: INTELLECTUAL DEVELOPMENTAL DISORDER, X-LINKED, SYNDROMIC, WILSON-TURNER TYPE; MENTAL RETARDATION, X-LINKED, SYNDROMIC 6. Identifiers: Orphanet 3459, MedGen C1839736, MONDO:0010665, OMIM 309585.

gnomAD v4.1: 8 of 1,211,617 alleles (0.00066%); highest among the groups gnomAD compares: East Asian, 0.0059%; no homozygotes.

Submission:

Labcorp Genetics (formerly Invitae), Labcorp
Classification: Uncertain significance for Wilson-Turner syndrome. Last evaluated: 2024-02-20. Review status: criteria provided, single submitter. Criteria: Invitae Variant Classification Sherloc (09022015). Collection method: clinical testing. Allele origin: germline.
Comment: This sequence change replaces isoleucine, which is neutral and non-polar, with threonine, which is neutral and polar, at codon 217 of the LAS1L protein (p.Ile217Thr). This variant is present in population databases (no rsID available, gnomAD 0.02%). This variant has not been reported in the literature in individuals affected with LAS1L-related conditions. Advanced modeling of protein sequence and biophysical properties (such as structural, functional, and spatial information, amino acid conservation, physicochemical variation, residue mobility, and thermodynamic stability) performed at Invitae indicates that this missense variant is not expected to disrupt LAS1L protein function with a negative predictive value of 80%. In summary, the available evidence is currently insufficient to determine the role of this variant in disease. Therefore, it has been classified as a Variant of Uncertain Significance.

NM_031206.7(LAS1L):c.650T>C (p.Ile217Thr)

Gene: LAS1L (LAS1 like ribosome biogenesis factor; minus strand). Cytogenetic location: Xq12.
Variant type: single nucleotide variant.
Coding change: c.650T>C on transcript NM_031206.7 (MANE Select); coding-DNA position 650, T replaced by C.
Protein change: p.Ile217Thr; replaces isoleucine 217 with threonine.
Molecular consequence: missense variant. On other transcripts: 5 prime UTR variant (1), non-coding transcript variant (1).
Genome position (GRCh38, 1-based): chrX:65,529,743, A>G on the plus strand (T>C on the coding strand, the complement: LAS1L is on the minus strand). VCF-style: chrX-65529743-A-G. GRCh37 (hg19) VCF-style: chrX-64749623-A-G.
Other names: c.650T>C, p.Ile217Thr (NM_001170649.2, NM_001375328.1, NM_001375329.1 and 8 more transcripts); c.524T>C, p.Ile175Thr (NM_001170650.2); c.-147T>C (NM_001375332.1); short protein forms I175T, I217T.
Identifiers: ClinVar variation 3729965 (VCV003729965.2).
Genomic context (GRCh38, chrX:65,529,743, plus strand): 5'-TCCGTACTTTTCCCATCATCCTGAGGCTCTGGTTTCTGTTCTGTGATGTCATCAACAACA[A>G]TGTTCTTATCTTCCTCTTGATCCTCTTCCTCTATCCCTTCCCTGAACTCCTCCAACTCCC-3'
Protein context (NP_112483.1, residues 207-227): EEEDQEEDKN[Ile217Thr]VVDDITEQKP